The following is an entry in ClinVar:

ClinVar aggregate classification (germline): Pathogenic (1 of 4 stars; one submission).

Submission:

Labcorp Genetics (formerly Invitae), Labcorp
Classification: Pathogenic. Last evaluated: 2023-06-14. Review status: criteria provided, single submitter. Criteria: Invitae Variant Classification Sherloc (09022015). Collection method: clinical testing. Allele origin: germline.
Comment: This sequence change creates a premature translational stop signal (p.Cys1918Ilefs*45) in the FREM2 gene. It is expected to result in an absent or disrupted protein product. Loss-of-function variants in FREM2 are known to be pathogenic (PMID: 18203166, 26552811). This variant is not present in population databases (gnomAD no frequency). This variant has not been reported in the literature in individuals affected with FREM2-related conditions. For these reasons, this variant has been classified as Pathogenic.

Literature cited by the submitters: PubMed 18203166; PubMed 26552811.

NM_207361.6(FREM2):c.5751_5754del (p.Cys1918fs)

Gene: FREM2 (FRAS1 related extracellular matrix 2; plus strand). Cytogenetic location: 13q13.3.
Variant type: Deletion.
Coding change: c.5751_5754del on transcript NM_207361.6 (MANE Select); coding-DNA positions 5751 to 5754, 4 bases deleted (CTGT; older notation c.5751_5754delCTGT).
Protein change: p.Cys1918fs; shifts the reading frame from cysteine 1918.
Molecular consequence: frameshift variant.
Genome position (GRCh38, 1-based): chr13:38,783,179-38,783,182, CTGT deleted; deleting any 4 consecutive bases within chr13:38,783,177-38,783,182 gives the same sequence; the c. name uses the placement nearest the transcript's 3' end. VCF-style (leftmost placement, unchanged base first): chr13-38783176-GGTCT-G. GRCh37 (hg19) VCF-style: chr13-39357313-GGTCT-G.
Other names: short protein forms C1918fs.
Identifiers: ClinVar variation 2713043 (VCV002713043.3), dbSNP rs2541437870, ClinGen allele CA2697551792.